The following is an entry in ClinVar:

ClinVar aggregate classification (germline): Likely pathogenic (1 of 4 stars; one submission).

Conditions:
BRPF1-related disorder. Also called: BRPF1-related condition.

Submission:

PreventionGenetics, part of Exact Sciences
Classification: Likely pathogenic for BRPF1-related condition. Last evaluated: 2022-12-27. Review status: criteria provided, single submitter. Criteria: ACMG Guidelines, 2015. Collection method: clinical testing. Allele origin: germline.
Comment: The BRPF1 c.2262dupT variant is predicted to result in a frameshift and premature protein termination (p.Ile755Tyrfs*9). To our knowledge, this variant has not been reported in the literature or in a large population database, indicating this variant is rare. Frameshift variants in BRPF1 are expected to be pathogenic. This variant is interpreted as likely pathogenic.

NM_001003694.2(BRPF1):c.2262dup (p.Ile755fs)

Gene: BRPF1 (bromodomain and PHD finger containing 1; plus strand). Cytogenetic location: 3p25.3.
Variant type: Duplication.
Coding change: c.2262dup on transcript NM_001003694.2 (MANE Select); coding-DNA position 2262, one base duplicated (T; older notation c.2262dupT).
Protein change: p.Ile755fs; shifts the reading frame from isoleucine 755.
Molecular consequence: frameshift variant. On other transcripts: non-coding transcript variant (1).
Genome position (GRCh38, 1-based): chr3:9,743,204, T duplicated. VCF-style (leftmost placement, unchanged base first): chr3-9743203-A-AT. GRCh37 (hg19) VCF-style: chr3-9784887-A-AT.
Other names: c.2244dup, p.Ile749fs (NM_001319049.2, NM_001319050.2, NM_004634.3); c.2262dup, p.Ile755fs (NM_001410704.1); short protein forms I749fs, I755fs.
Identifiers: ClinVar variation 2635330 (VCV002635330.1), dbSNP rs2471497955, ClinGen allele CA2695197730.